The following is an entry in ClinVar:

ClinVar aggregate classification (germline): Likely benign. Review status: criteria provided, multiple submitters, no conflicts (2 of 4 stars). 2 submissions from 2 submitters: Likely benign (2). Last evaluated 2026-06-12.

Conditions:
CREBBP-related disorder. Also called: CREBBP-related condition; CREBBP-related disorders.
Rubinstein-Taybi syndrome (RSTS). Identifiers: Orphanet 783, MedGen C0035934, MONDO:0019188.

Allele frequency attached by ClinVar (database versions not stated): gnomAD 0.00001; TOPMed 0.00001; ExAC 0.00002; gnomAD exomes 0.00004.
gnomAD v4.1: 59 of 1,613,670 alleles (0.0037%); highest among the groups gnomAD compares: Non-Finnish European, 0.0047%; no homozygotes.

Submissions (2):

PreventionGenetics, part of Exact Sciences
Classification: Likely benign for CREBBP-related condition. Last evaluated: 2026-06-12. Review status: criteria provided, single submitter. Criteria: ACMG Guidelines, 2015. Collection method: clinical testing. Allele origin: germline.
Comment: This variant is classified as likely benign based on ACMG/AMP sequence variant interpretation guidelines (Richards et al. 2015 PMID: 25741868, with internal and published modifications).

Labcorp Genetics (formerly Invitae), Labcorp
Classification: Likely benign for Rubinstein-Taybi syndrome. Last evaluated: 2022-08-15. Review status: criteria provided, single submitter. Criteria: Invitae Variant Classification Sherloc (09022015). Collection method: clinical testing. Allele origin: germline.

NM_004380.3(CREBBP):c.810T>C (p.Thr270=)

Gene: CREBBP (CREB binding lysine acetyltransferase; minus strand). Cytogenetic location: 16p13.3.
Variant type: single nucleotide variant.
Coding change: c.810T>C on transcript NM_004380.3 (MANE Select); coding-DNA position 810, T replaced by C.
Protein change: p.Thr270=; no amino-acid change (threonine 270 retained).
Molecular consequence: synonymous variant.
Genome position (GRCh38, 1-based): chr16:3,810,768, A>G on the plus strand (T>C on the coding strand, the complement: CREBBP is on the minus strand). VCF-style: chr16-3810768-A-G. GRCh37 (hg19) VCF-style: chr16-3860769-A-G.
Other names: c.810T>C, p.Thr270= (NM_001079846.1); c.810T>C (NM_004380.2).
Identifiers: ClinVar variation 2182524 (VCV002182524.5), dbSNP rs769039884, ClinGen allele CA7870578.
Genomic context (GRCh38, chr16:3,810,768, plus strand): 5'-GGCTCCCATTGGCTGCCCTCCAGCTTGACTAAAGGGCTGTCCAAATGGACTTGTGTTCCC[A>G]GTTATTCCCATCTGAAACAAAAAAGAGGTAACATCAGCTGTGGTGACGCAGTCAATATAA-3'
Protein context (NP_004371.2, residues 260-280): QAGGMAKMGI[Thr270=]GNTSPFGQPF